The following is an entry in ClinVar:

ClinVar aggregate classification (germline): Uncertain significance (1 of 4 stars; one submission).

gnomAD v4.1: 1 of 1,613,974 alleles (0.000062%); highest among the groups gnomAD compares: Non-Finnish European, 0.000085%; no homozygotes.

Submission:

Labcorp Genetics (formerly Invitae), Labcorp
Classification: Uncertain significance. Last evaluated: 2025-08-16. Review status: criteria provided, single submitter. Criteria: Invitae Variant Classification Sherloc (09022015). Collection method: clinical testing. Allele origin: germline.
Comment: This sequence change replaces glutamine, which is neutral and polar, with arginine, which is basic and polar, at codon 254 of the ADIPOR1 protein (p.Gln254Arg). This variant is not present in population databases (gnomAD no frequency). This variant has not been reported in the literature in individuals affected with ADIPOR1-related conditions. An algorithm developed to predict the effect of missense changes on protein structure and function (PolyPhen-2) suggests that this variant is likely to be disruptive. In summary, the available evidence is currently insufficient to determine the role of this variant in disease. Therefore, it has been classified as a Variant of Uncertain Significance.

NM_015999.6(ADIPOR1):c.761A>G (p.Gln254Arg)

Gene: ADIPOR1 (adiponectin receptor 1; minus strand). Cytogenetic location: 1q32.1.
Variant type: single nucleotide variant.
Coding change: c.761A>G on transcript NM_015999.6 (MANE Select); coding-DNA position 761, A replaced by G.
Protein change: p.Gln254Arg; replaces glutamine 254 with arginine.
Molecular consequence: missense variant.
Genome position (GRCh38, 1-based): chr1:202,943,802, T>C on the plus strand (A>G on the coding strand, the complement: ADIPOR1 is on the minus strand). VCF-style: chr1-202943802-T-C. GRCh37 (hg19) VCF-style: chr1-202912930-T-C.
Other names: c.761A>G, p.Gln254Arg (NM_001290553.2, NM_001290557.1, NM_001290629.1); short protein forms Q254R.
Identifiers: ClinVar variation 4765164 (VCV004765164.1).